The following is an entry in ClinVar:

NM_000488.4(SERPINC1):c.46G>A (p.Val16Ile)

Gene: SERPINC1 (serpin family C member 1; minus strand). Cytogenetic location: 1q25.1.
Variant type: single nucleotide variant.
Coding change: c.46G>A on transcript NM_000488.4 (MANE Select); coding-DNA position 46, G replaced by A.
Protein change: p.Val16Ile; replaces valine 16 with isoleucine.
Molecular consequence: missense variant. On other transcripts: 5 prime UTR variant (1).
Genome position (GRCh38, 1-based): chr1:173,914,915, C>T on the plus strand (G>A on the coding strand, the complement: SERPINC1 is on the minus strand). VCF-style: chr1-173914915-C-T. GRCh37 (hg19) VCF-style: chr1-173884053-C-T.
Other names: c.-99G>A (NM_001365052.2); c.46G>A, p.Val16Ile (NM_001386302.1, NM_001386304.1, NM_001386305.1 and 1 more transcripts); c.127G>A, p.Val43Ile (NM_001386303.1); short protein forms V43I, V16I.
Identifiers: ClinVar variation 4711488 (VCV004711488.1).

ClinVar aggregate classification (germline): Uncertain significance (1 of 4 stars; one submission).

Conditions:
Hereditary antithrombin deficiency (AT3D). Also called: Antithrombin III deficiency; Thrombophilia due to antithrombin III deficiency; Reduced antithrombin III activity; Antithrombin deficiency. Identifiers: Orphanet 82, MedGen C0272375, MONDO:0013144, OMIM 613118, HP:0001976.

gnomAD v4.1: 1 of 1,613,288 alleles (0.000062%); highest among the groups gnomAD compares: Non-Finnish European, 0.000085%; no homozygotes.

Submission:

Labcorp Genetics (formerly Invitae), Labcorp
Classification: Uncertain significance for Hereditary antithrombin deficiency. Last evaluated: 2025-10-01. Review status: criteria provided, single submitter. Criteria: Invitae Variant Classification Sherloc (09022015). Collection method: clinical testing. Allele origin: germline.
Comment: This sequence change replaces valine, which is neutral and non-polar, with isoleucine, which is neutral and non-polar, at codon 16 of the SERPINC1 protein (p.Val16Ile). This variant is not present in population databases (gnomAD no frequency). This variant has not been reported in the literature in individuals affected with SERPINC1-related conditions. Invitae Evidence Modeling of protein sequence and biophysical properties (such as structural, functional, and spatial information, amino acid conservation, physicochemical variation, residue mobility, and thermodynamic stability) indicates that this missense variant is not expected to disrupt SERPINC1 protein function with a negative predictive value of 95%. In summary, the available evidence is currently insufficient to determine the role of this variant in disease. Therefore, it has been classified as a Variant of Uncertain Significance.